The following is an entry in ClinVar:

NM_139076.3(ABRAXAS1):c.686T>C (p.Ile229Thr)

Gene: ABRAXAS1 (abraxas 1, BRCA1 A complex subunit; minus strand). Cytogenetic location: 4q21.23.
Variant type: single nucleotide variant.
Coding change: c.686T>C on transcript NM_139076.3 (MANE Select); coding-DNA position 686, T replaced by C.
Protein change: p.Ile229Thr; replaces isoleucine 229 with threonine.
Molecular consequence: missense variant.
Genome position (GRCh38, 1-based): chr4:83,463,604, A>G on the plus strand (T>C on the coding strand, the complement: ABRAXAS1 is on the minus strand). VCF-style: chr4-83463604-A-G. GRCh37 (hg19) VCF-style: chr4-84384757-A-G.
Other names: c.359T>C, p.Ile120Thr (NM_001345962.2); short protein forms I229T, I120T.
Identifiers: ClinVar variation 3994578 (VCV003994578.1).

ClinVar aggregate classification (germline): Uncertain significance (1 of 4 stars; one submission).

Submission:

Ambry Genetics
Classification: Uncertain significance. Last evaluated: 2025-04-11. Review status: criteria provided, single submitter. Criteria: Ambry Variant Classification Scheme 2023. Collection method: clinical testing. Allele origin: germline.
Comment: The p.I229T variant (also known as c.686T>C), located in coding exon 8 of the FAM175A gene, results from a T to C substitution at nucleotide position 686. The isoleucine at codon 229 is replaced by threonine, an amino acid with similar properties. This amino acid position is conserved. In addition, this alteration is predicted to be tolerated by in silico analysis. Based on the available evidence, the clinical significance of this variant remains unclear.